The following is an entry in ClinVar:

NC_000011.9:g.(?_9809171)_(9812240_?)del

Gene: SBF2 (SET binding factor 2; minus strand). Cytogenetic location: 11p15.4.
Variant type: Deletion.
Identifiers: ClinVar variation 1076239 (VCV001076239.1).

ClinVar aggregate classification (germline): Pathogenic (1 of 4 stars; one submission).

Conditions:
Charcot-Marie-Tooth disease type 4. Also called: Charcot-Marie-Tooth, Type 4; Charcot-Marie-Tooth disease, type IV. Identifiers: Orphanet 64749, MedGen C4082197, MONDO:0018995.

Submission:

Labcorp Genetics (formerly Invitae), Labcorp
Classification: Pathogenic for Charcot-Marie-Tooth disease type 4. Last evaluated: 2020-07-24. Review status: criteria provided, single submitter. Criteria: Invitae Variant Classification Sherloc (09022015). Collection method: clinical testing. Allele origin: germline.
Comment: This variant is an out-of-frame deletion of the genomic region encompassing exon(s) 34-36 of the SBF2 gene. This is expected to create a premature translational stop signal and result in an absent or disrupted protein product. This variant has not been reported in the literature in individuals with SBF2-related conditions. Loss-of-function variants in SBF2 are known to be pathogenic (PMID: 12687498, 25873783). For these reasons, this variant has been classified as Pathogenic.

Literature cited by the submitters: PubMed 12687498; PubMed 25873783.